The following is an entry in ClinVar:

ClinVar aggregate classification (germline): Uncertain significance (1 of 4 stars; one submission).

gnomAD v4.1: 1 of 1,614,000 alleles (0.000062%); highest among the groups gnomAD compares: Non-Finnish European, 0.000085%; no homozygotes.

Submission:

Labcorp Genetics (formerly Invitae), Labcorp
Classification: Uncertain significance. Last evaluated: 2021-08-11. Review status: criteria provided, single submitter. Criteria: Invitae Variant Classification Sherloc (09022015). Collection method: clinical testing. Allele origin: germline.
Comment: This variant is not present in population databases (ExAC no frequency). This sequence change replaces arginine with glycine at codon 466 of the CACNA1E protein (p.Arg466Gly). The arginine residue is highly conserved and there is a moderate physicochemical difference between arginine and glycine. This variant has not been reported in the literature in individuals affected with CACNA1E-related conditions. Advanced modeling of protein sequence and biophysical properties (such as structural, functional, and spatial information, amino acid conservation, physicochemical variation, residue mobility, and thermodynamic stability) performed at Invitae indicates that this missense variant is expected to disrupt CACNA1E protein function. In summary, the available evidence is currently insufficient to determine the role of this variant in disease. Therefore, it has been classified as a Variant of Uncertain Significance.

NM_001205293.3(CACNA1E):c.1396C>G (p.Arg466Gly)

Gene: CACNA1E (calcium voltage-gated channel subunit alpha1 E; plus strand). Cytogenetic location: 1q25.3.
Variant type: single nucleotide variant.
Coding change: c.1396C>G on transcript NM_001205293.3 (MANE Select); coding-DNA position 1396, C replaced by G.
Protein change: p.Arg466Gly; replaces arginine 466 with glycine.
Molecular consequence: missense variant.
Genome position (GRCh38, 1-based): chr1:181,717,173, C>G. VCF-style: chr1-181717173-C-G. GRCh37 (hg19) VCF-style: chr1-181686309-C-G.
Other names: c.1396C>G, p.Arg466Gly (NM_000721.4, NM_001205294.2); short protein forms R466G.
Identifiers: ClinVar variation 1443187 (VCV001443187.6), dbSNP rs2102461429, ClinGen allele CA343624995.